The following is an entry in ClinVar:

NM_000512.5(GALNS):c.462C>T (p.His154=)

Gene: GALNS (galactosamine (N-acetyl)-6-sulfatase; minus strand). Cytogenetic location: 16q24.3.
Variant type: single nucleotide variant.
Coding change: c.462C>T on transcript NM_000512.5 (MANE Select); coding-DNA position 462, C replaced by T.
Protein change: p.His154=; no amino-acid change (histidine 154 retained).
Molecular consequence: synonymous variant. On other transcripts: 5 prime UTR variant (1).
Genome position (GRCh38, 1-based): chr16:88,837,726, G>A on the plus strand (C>T on the coding strand, the complement: GALNS is on the minus strand). VCF-style: chr16-88837726-G-A. GRCh37 (hg19) VCF-style: chr16-88904134-G-A.
Other names: c.462C>T (NM_000512.4); c.-94C>T (NM_001323543.2); c.480C>T, p.His160= (NM_001323544.2).
Identifiers: ClinVar variation 2058410 (VCV002058410.5), dbSNP rs573033985, ClinGen allele CA8235128.

ClinVar aggregate classification (germline): Likely benign. Review status: criteria provided, single submitter (1 of 4 stars). 2 submissions from 2 submitters: Likely benign (1). 1 of the submissions does not count toward it. Last evaluated 2026-01-17.

Conditions:
Mucopolysaccharidosis, MPS-IV-A (MPS4A). Also called: Morquio syndrome A, mild; MORQUIO SYNDROME A; GALACTOSAMINE-6-SULFATASE DEFICIENCY; GALNS DEFICIENCY; MORQUIO A DISEASE; Mucopolysaccharidosis type IV A. Identifiers: Orphanet 309297, Orphanet 582, MedGen C0086651, MONDO:0009659, OMIM 253000.
GALNS-related disorder. Also called: GALNS-related condition.

Allele frequency attached by ClinVar (database versions not stated): ExAC 0.00009.
gnomAD v4.1: 151 of 1,613,844 alleles (0.0094%); highest among the groups gnomAD compares: Non-Finnish European, 0.012%; no homozygotes.

Submissions (2):

Labcorp Genetics (formerly Invitae), Labcorp
Classification: Likely benign for Mucopolysaccharidosis, MPS-IV-A. Last evaluated: 2026-01-17. Review status: criteria provided, single submitter. Criteria: Invitae Variant Classification Sherloc (09022015). Collection method: clinical testing. Allele origin: germline.

PreventionGenetics, part of Exact Sciences
Classification: Likely benign for GALNS-related condition. Last evaluated: 2024-03-27. Review status: no assertion criteria provided. Collection method: clinical testing. Allele origin: germline. Not counted in ClinVar's aggregate classification.
Comment: This variant is classified as likely benign based on ACMG/AMP sequence variant interpretation guidelines (Richards et al. 2015 PMID: 25741868, with internal and published modifications).